The following is an entry in ClinVar:

NM_024301.5(FKRP):c.1388A>G (p.Asn463Ser)

Gene: FKRP (fukutin related protein; plus strand). Cytogenetic location: 19q13.32.
Variant type: single nucleotide variant.
Coding change: c.1388A>G on transcript NM_024301.5 (MANE Select); coding-DNA position 1388, A replaced by G.
Protein change: p.Asn463Ser; replaces asparagine 463 with serine.
Molecular consequence: missense variant.
Genome position (GRCh38, 1-based): chr19:46,756,838, A>G. VCF-style: chr19-46756838-A-G. GRCh37 (hg19) VCF-style: chr19-47260095-A-G.
Other names: c.1388A>G, p.Asn463Ser (NM_001039885.3); short protein forms N463S.
Identifiers: ClinVar variation 1516962 (VCV001516962.6), dbSNP rs2122636612, ClinGen allele CA406497263.

ClinVar aggregate classification (germline): Likely pathogenic (1 of 4 stars; one submission).

Conditions:
Walker-Warburg congenital muscular dystrophy. Also called: Muscular dystrophy-dystroglycanopathy, type A; Walker-Warburg syndrome. Identifiers: Orphanet 899, MedGen C0265221, MONDO:0000171.

Allele frequency attached by ClinVar (database versions not stated): gnomAD exomes below 0.00001.
gnomAD v4.1: 1 of 1,601,738 alleles (0.000062%); highest among the groups gnomAD compares: Non-Finnish European, 0.000085%; no homozygotes.

Submission:

Labcorp Genetics (formerly Invitae), Labcorp
Classification: Likely pathogenic for Walker-Warburg congenital muscular dystrophy. Last evaluated: 2022-04-28. Review status: criteria provided, single submitter. Criteria: Invitae Variant Classification Sherloc (09022015). Collection method: clinical testing. Allele origin: germline.
Comment: Advanced modeling of protein sequence and biophysical properties (such as structural, functional, and spatial information, amino acid conservation, physicochemical variation, residue mobility, and thermodynamic stability) performed at Invitae indicates that this missense variant is expected to disrupt FKRP protein function. In summary, the currently available evidence indicates that the variant is pathogenic, but additional data are needed to prove that conclusively. Therefore, this variant has been classified as Likely Pathogenic. This variant disrupts the p.Asn463 amino acid residue in FKRP. Other variant(s) that disrupt this residue have been determined to be pathogenic (PMID: 17336067; Invitae). This suggests that this residue is clinically significant, and that variants that disrupt this residue are likely to be disease-causing. This variant has not been reported in the literature in individuals affected with FKRP-related conditions. This variant is not present in population databases (gnomAD no frequency). This sequence change replaces asparagine, which is neutral and polar, with serine, which is neutral and polar, at codon 463 of the FKRP protein (p.Asn463Ser).

Literature cited by the submitters: PubMed 17336067.